The following is an entry in ClinVar:

NM_130837.3(OPA1):c.949A>T (p.Lys317Ter)

Gene: OPA1 (OPA1 mitochondrial dynamin like GTPase; plus strand). Cytogenetic location: 3q29.
Variant type: single nucleotide variant.
Coding change: c.949A>T on transcript NM_130837.3 (MANE Select); coding-DNA position 949, A replaced by T.
Protein change: p.Lys317Ter; replaces lysine 317 with a stop codon.
Molecular consequence: nonsense.
Genome position (GRCh38, 1-based): chr3:193,637,195, A>T. VCF-style: chr3-193637195-A-T. GRCh37 (hg19) VCF-style: chr3-193354984-A-T.
Other names: c.415A>T, p.Lys139Ter (NM_001354663.2); c.412A>T, p.Lys138Ter (NM_001354664.2); c.784A>T, p.Lys262Ter (NM_015560.3); c.676A>T, p.Lys226Ter (NM_130831.3); c.730A>T, p.Lys244Ter (NM_130832.3); c.787A>T, p.Lys263Ter (NM_130833.3); c.838A>T, p.Lys280Ter (NM_130834.3); c.841A>T, p.Lys281Ter (NM_130835.3); and 1 more; short protein forms K138*, K139*, K226*, K244*, K262*, K263*, K280*, K281*.
Identifiers: ClinVar variation 3375802 (VCV003375802.1).

ClinVar aggregate classification (germline): Pathogenic (1 of 4 stars; one submission).

Submission:

GeneDx
Classification: Pathogenic. Last evaluated: 2024-05-09. Review status: criteria provided, single submitter. Criteria: GeneDx Variant Classification Process June 2021. Collection method: clinical testing. Allele origin: germline. Affected: yes.
Comment: Not observed at significant frequency in large population cohorts (gnomAD); Nonsense variant predicted to result in protein truncation or nonsense mediated decay in a gene for which loss of function is a known mechanism of disease; This variant is associated with the following publications: (PMID: 36071901)